The following is an entry in ClinVar:

ClinVar aggregate classification (germline): Uncertain significance (1 of 4 stars; one submission).

gnomAD v4.1: 1 of 1,181,811 alleles (0.000085%); highest among the groups gnomAD compares: Non-Finnish European, 0.00012%; no homozygotes.

Submission:

GeneDx
Classification: Uncertain significance. Last evaluated: 2026-09-16. Review status: criteria provided, single submitter. Criteria: GeneDx Variant Classification Process June 2021. Collection method: clinical testing. Allele origin: germline.
Comment: Has not been previously published as pathogenic or benign to our knowledge; Not observed at significant frequency in large population cohorts (gnomAD); In silico analysis suggests that this missense variant does not alter protein structure/function

NM_001379110.1(SLC9A6):c.730A>G (p.Ile244Val)

Gene: SLC9A6 (solute carrier family 9 member A6; plus strand). Cytogenetic location: Xq26.3.
Variant type: single nucleotide variant.
Coding change: c.730A>G on transcript NM_001379110.1 (MANE Select); coding-DNA position 730, A replaced by G.
Protein change: p.Ile244Val; replaces isoleucine 244 with valine.
Molecular consequence: missense variant.
Genome position (GRCh38, 1-based): chrX:136,002,200, A>G. VCF-style: chrX-136002200-A-G. GRCh37 (hg19) VCF-style: chrX-135084359-A-G.
Other names: c.886A>G, p.Ile296Val (NM_001042537.2, NM_001438742.1); c.730A>G, p.Ile244Val (NM_001177651.2, NM_001400909.1, NM_001400910.1 and 2 more transcripts); c.634A>G, p.Ile212Val (NM_001330652.2, NM_001400913.1); c.790A>G, p.Ile264Val (NM_006359.3); short protein forms I212V, I244V, I264V, I296V.
Identifiers: ClinVar variation 4083421 (VCV004083421.2).